The following is an entry in ClinVar:

NM_000393.5(COL5A2):c.3794A>G (p.Asp1265Gly)

Gene: COL5A2 (collagen type V alpha 2 chain; minus strand). Cytogenetic location: 2q32.2.
Variant type: single nucleotide variant.
Coding change: c.3794A>G on transcript NM_000393.5 (MANE Select); coding-DNA position 3794, A replaced by G.
Protein change: p.Asp1265Gly; replaces aspartic acid 1265 with glycine.
Molecular consequence: missense variant.
Genome position (GRCh38, 1-based): chr2:189,039,403, T>C on the plus strand (A>G on the coding strand, the complement: COL5A2 is on the minus strand). VCF-style: chr2-189039403-T-C. GRCh37 (hg19) VCF-style: chr2-189904129-T-C.
Other names: short protein forms D1265G.
Identifiers: ClinVar variation 180305 (VCV000180305.54), dbSNP rs200325397, ClinGen allele CA346259.

ClinVar aggregate classification (germline): Conflicting classifications of pathogenicity. Review status: criteria provided, conflicting classifications (1 of 4 stars). 8 submissions from 8 submitters: Uncertain significance (5); Likely benign (3). Last evaluated 2026-01-13.

Conditions:
Ehlers-Danlos syndrome, classic type, 1 (EDSCL1). Also called: EHLERS-DANLOS SYNDROME, GRAVIS TYPE; EHLERS-DANLOS SYNDROME, SEVERE CLASSIC TYPE; Ehlers-Danlos syndrome, type 1; Ehlers-Danlos Syndrome, Classic Type, COL5A1-Related; EDS I. Identifiers: MedGen C0268335, MONDO:0019567, OMIM 130000.
Ehlers-Danlos syndrome, classic type, 2 (EDSCL2). Also called: Ehlers-Danlos syndrome, type 2; Ehlers-Danlos Syndrome, Classic Type, COL5A2-Related; Ehlers-Danlos syndrome type 2 (formerly). Identifiers: Orphanet 287, Orphanet 90318, MedGen C0268336, MONDO:0019568, OMIM 130010.
Ehlers-Danlos syndrome (EDS). Identifiers: Orphanet 98249, MedGen C0013720, MONDO:0020066.
Familial thoracic aortic aneurysm and aortic dissection (TAAD). Also called: Thoracic aortic aneurysms and dissections. Identifiers: Orphanet 91387, MedGen C4707243, MONDO:0019625.

Allele frequency attached by ClinVar (database versions not stated): gnomAD exomes 0.00005 and 0.00007; gnomAD 0.00006; TOPMed 0.00009; ExAC 0.00010.
gnomAD v4.1: 79 of 1,613,584 alleles (0.0049%); highest among the groups gnomAD compares: Middle Eastern, 0.033%; no homozygotes.

Submissions (8):

Labcorp Genetics (formerly Invitae), Labcorp
Classification: Likely benign for Ehlers-Danlos syndrome, classic type, 1. Last evaluated: 2026-01-13. Review status: criteria provided, single submitter. Criteria: Invitae Variant Classification Sherloc (09022015). Collection method: clinical testing. Allele origin: germline.

GeneDx
Classification: Uncertain significance. Last evaluated: 2024-12-30. Review status: criteria provided, single submitter. Criteria: GeneDx Variant Classification Process June 2021. Collection method: clinical testing. Allele origin: germline. Affected: yes.
Comment: Not located in the triple helical region, where the majority of pathogenic missense variants occur (PMID: 22696272; HGMD); In silico analysis supports that this missense variant has a deleterious effect on protein structure/function; Reported in a patient with Marfan syndrome who also harbored an additional cardiogenetic variant, as well as another individual with syndromic joint hypermobility (PMID: 37079061); This variant is associated with the following publications: (PMID: 22696272, 37079061)

Blueprint Genetics
Classification: Likely benign. Last evaluated: 2023-12-28. Review status: criteria provided, single submitter. Criteria: ACMG Guidelines, 2015. Collection method: clinical testing. Allele origin: germline.

CeGaT Center for Human Genetics Tuebingen
Classification: Uncertain significance. Last evaluated: 2023-12-01. Review status: criteria provided, single submitter. Criteria: CeGaT Center For Human Genetics Tuebingen Variant Classification Criteria Version 2. Collection method: clinical testing. Allele origin: germline. Affected: yes. Observed: 2 variant alleles.

Ambry Genetics
Classification: Uncertain significance for Familial thoracic aortic aneurysm and aortic dissection. Last evaluated: 2022-11-03. Review status: criteria provided, single submitter. Criteria: Ambry Variant Classification Scheme 2023. Collection method: clinical testing. Allele origin: germline.
Comment: The p.D1265G variant (also known as c.3794A>G), located in coding exon 51 of the COL5A2 gene, results from an A to G substitution at nucleotide position 3794. The aspartic acid at codon 1265 is replaced by glycine, an amino acid with similar properties. This amino acid position is highly conserved in available vertebrate species. In addition, this alteration is predicted to be deleterious by in silico analysis. Since supporting evidence is limited at this time, the clinical significance of this alteration remains unclear.

Genome Diagnostics Laboratory, The Hospital for Sick Children
Classification: Uncertain significance for Ehlers-Danlos syndrome. Last evaluated: 2021-06-14. Review status: criteria provided, single submitter. Criteria: ACMG Guidelines, 2015. Collection method: clinical testing. Allele origin: germline.

ARUP Laboratories, Molecular Genetics and Genomics, ARUP Laboratories
Classification: Uncertain significance for Ehlers-Danlos syndrome, classic type, 2. Last evaluated: 2020-10-21. Review status: criteria provided, single submitter. Criteria: ARUP Molecular Germline Variant Investigation Process 2021. Collection method: clinical testing. Allele origin: germline.
Comment: The COL5A2 c.3794A>G; p.Asp1265Gly variant (rs200325397), to our knowledge, has not been reported in the medical literature; however, this variant is listed in the ClinVar database (Variation ID: 180305). This variant is found in the general population with an overall allele frequency of 0.007% (19/282,758 alleles) in the Genome Aggregation Database. The aspartic acid at codon 1265 is highly conserved, and computational analyses predict that this variant is deleterious (REVEL: 0.726). However, based on the available information, the clinical significance of this variant is uncertain.

Illumina Laboratory Services, Illumina
Classification: Likely benign for Ehlers-Danlos syndrome, classic type, 2. Last evaluated: 2018-01-12. Review status: criteria provided, single submitter. Criteria: ICSL Variant Classification Criteria 13 December 2019. Collection method: clinical testing. Allele origin: germline.
Comment: This variant was observed in the ICSL laboratory as part of a predisposition screen in an ostensibly healthy population. It had not been previously curated by ICSL or reported in the Human Gene Mutation Database (HGMD: prior to June 1st, 2018), and was therefore a candidate for classification through an automated scoring system. Utilizing variant allele frequency, disease prevalence and penetrance estimates, and inheritance mode, an automated score was calculated to assess if this variant is too frequent to cause the disease. Based on the score and internal cut-off values, a variant classified as likely benign is not then subjected to further curation. The score for this variant resulted in a classification of likely benign for this disease.